The following is an entry in ClinVar:

ClinVar aggregate classification (germline): Likely benign (1 of 4 stars; one submission).

Allele frequency attached by ClinVar (database versions not stated): ESP Exome Variant Server 0.00015; ExAC 0.00190; 1000 Genomes Project 30x 0.00234; 1000 Genomes Project 0.00280.

Submission:

CeGaT Center for Human Genetics Tuebingen
Classification: Likely benign. Last evaluated: 2023-09-01. Review status: criteria provided, single submitter. Criteria: CeGaT Center For Human Genetics Tuebingen Variant Classification Criteria Version 2. Collection method: clinical testing. Allele origin: germline. Affected: yes. Observed: 1 variant allele.
Comment: RHCE: BP4

NM_020485.8(RHCE):c.361A>T (p.Met121Leu)

Gene: RHCE (Rh blood group CcEe antigens; minus strand). Cytogenetic location: 1p36.11.
Variant type: single nucleotide variant.
Coding change: c.361A>T on transcript NM_020485.8 (MANE Select); coding-DNA position 361, A replaced by T.
Protein change: p.Met121Leu; replaces methionine 121 with leucine.
Molecular consequence: missense variant.
Genome position (GRCh38, 1-based): chr1:25,402,721, T>A on the plus strand (A>T on the coding strand, the complement: RHCE is on the minus strand). VCF-style: chr1-25402721-T-A. GRCh37 (hg19) VCF-style: chr1-25729212-T-A.
Other names: c.361A>T, p.Met121Leu (NM_001330430.4, NM_138616.5, NM_138617.5 and 1 more transcripts); short protein forms M121L.
Identifiers: ClinVar variation 2638499 (VCV002638499.24), dbSNP rs1053345, ClinGen allele CA694835.